The following is an entry in ClinVar:

NM_003482.4(KMT2D):c.11769A>G (p.Gln3923=)

Gene: KMT2D (lysine methyltransferase 2D; minus strand). Cytogenetic location: 12q13.12.
Variant type: single nucleotide variant.
Coding change: c.11769A>G on transcript NM_003482.4 (MANE Select); coding-DNA position 11769, A replaced by G.
Protein change: p.Gln3923=; no amino-acid change (glutamine 3923 retained).
Molecular consequence: synonymous variant.
Genome position (GRCh38, 1-based): chr12:49,032,936, T>C on the plus strand (A>G on the coding strand, the complement: KMT2D is on the minus strand). VCF-style: chr12-49032936-T-C. GRCh37 (hg19) VCF-style: chr12-49426719-T-C.
Identifiers: ClinVar variation 2874061 (VCV002874061.5), dbSNP rs1943016692, ClinGen allele CA479708842.

ClinVar aggregate classification (germline): Likely benign. Review status: criteria provided, single submitter (1 of 4 stars). 2 submissions from 2 submitters: Likely benign (1). 1 of the submissions does not count toward it. Last evaluated 2025-05-02.

Conditions:
KMT2D-related disorder. Also called: KMT2D-Related Disorders.
Kabuki syndrome. Also called: NIIKAWA-KUROKI SYNDROME; Kabuki make-up syndrome. Identifiers: Orphanet 2322, MedGen C0796004, MONDO:0016512.

Allele frequency attached by ClinVar (database versions not stated): gnomAD exomes below 0.00001.
gnomAD v4.1: 2 of 1,550,346 alleles (0.00013%); highest among the groups gnomAD compares: Non-Finnish European, 0.000087%; no homozygotes.

Submissions (2):

Labcorp Genetics (formerly Invitae), Labcorp
Classification: Likely benign for Kabuki syndrome. Last evaluated: 2025-05-02. Review status: criteria provided, single submitter. Criteria: Invitae Variant Classification Sherloc (09022015). Collection method: clinical testing. Allele origin: germline.

PreventionGenetics, part of Exact Sciences
Classification: Likely benign for KMT2D-related condition. Last evaluated: 2023-03-27. Review status: no assertion criteria provided. Collection method: clinical testing. Allele origin: germline. Not counted in ClinVar's aggregate classification.
Comment: This variant is classified as likely benign based on ACMG/AMP sequence variant interpretation guidelines (Richards et al. 2015 PMID: 25741868, with internal and published modifications).